The following is an entry in ClinVar:

ClinVar aggregate classification (germline): Pathogenic (1 of 4 stars; one submission).

Submission:

Labcorp Genetics (formerly Invitae), Labcorp
Classification: Pathogenic. Last evaluated: 2019-08-06. Review status: criteria provided, single submitter. Criteria: Invitae Variant Classification Sherloc (09022015). Collection method: clinical testing. Allele origin: germline.
Comment: For these reasons, this variant has been classified as Pathogenic. This sequence change creates a premature translational stop signal (p.Phe446Leufs*5) in the PHEX gene. It is expected to result in an absent or disrupted protein product. This variant is not present in population databases (ExAC no frequency). This variant has not been reported in the literature in individuals with PHEX-related conditions. Loss-of-function variants in PHEX are known to be pathogenic (PMID: 9097956, 9106524, 19219621).

Literature cited by the submitters: PubMed 9097956; PubMed 9106524; PubMed 19219621.

NM_000444.6(PHEX):c.1335del (p.Phe446fs)

Gene: PHEX (phosphate regulating endopeptidase X-linked; plus strand). Cytogenetic location: Xp22.11.
Variant type: Deletion.
Coding change: c.1335del on transcript NM_000444.6 (MANE Select); coding-DNA position 1335, one base deleted (C; older notation c.1335delC).
Protein change: p.Phe446fs; shifts the reading frame from phenylalanine 446.
Molecular consequence: frameshift variant.
Genome position (GRCh38, 1-based): chrX:22,133,555, C deleted; the last of 2 consecutive C bases (chrX:22,133,554-22,133,555); deleting either gives the same sequence. VCF-style (leftmost placement, unchanged base first): chrX-22133553-GC-G. GRCh37 (hg19) VCF-style: chrX-22151670-GC-G.
Other names: c.1335del, p.Phe446fs (NM_001282754.2); short protein forms F446fs.
Identifiers: ClinVar variation 957886 (VCV000957886.7), dbSNP rs1932104985, ClinGen allele CA1139667296.
Genomic context (GRCh38, chrX:22,133,553, plus strand): 5'-GACGTTCCCTCTTTGGGTATTTTCTTGTAGATGGAGGAATTGGTTGAGGGCGTTCGCTGG[GC>G]CTTTATTGACATGCTAGAGAAAGAAAATGAGTGGATGGATGCAGGAACGAAAAGGAAAGC-3'